The following is an entry in ClinVar:

NM_006073.4(TRDN):c.2143A>C (p.Ser715Arg)

Gene: TRDN (triadin; minus strand). Cytogenetic location: 6q22.31.
Variant type: single nucleotide variant.
Coding change: c.2143A>C on transcript NM_006073.4 (MANE Select); coding-DNA position 2143, A replaced by C.
Protein change: p.Ser715Arg; replaces serine 715 with arginine.
Molecular consequence: missense variant.
Genome position (GRCh38, 1-based): chr6:123,218,648, T>G on the plus strand (A>C on the coding strand, the complement: TRDN is on the minus strand). VCF-style: chr6-123218648-T-G. GRCh37 (hg19) VCF-style: chr6-123539793-T-G.
Other names: short protein forms S715R.
Identifiers: ClinVar variation 3461009 (VCV003461009.1).

ClinVar aggregate classification (germline): Uncertain significance (1 of 4 stars; one submission).

Conditions:
Cardiovascular phenotype. Identifiers: MedGen CN230736.

Submission:

Ambry Genetics
Classification: Uncertain significance for Cardiovascular phenotype. Last evaluated: 2024-11-05. Review status: criteria provided, single submitter. Criteria: Ambry Variant Classification Scheme 2023. Collection method: clinical testing. Allele origin: germline.
Comment: The p.S715R variant (also known as c.2143A>C), located in coding exon 41 of the TRDN gene, results from an A to C substitution at nucleotide position 2143. The serine at codon 715 is replaced by arginine, an amino acid with dissimilar properties. This amino acid position is conserved. In addition, this alteration is predicted to be tolerated by in silico analysis. Based on the available evidence, the clinical significance of this variant remains unclear.